The following is an entry in ClinVar:

NM_152703.5(SAMD9L):c.3886G>T (p.Val1296Phe)

Gene: SAMD9L (sterile alpha motif domain containing 9 like; minus strand). Cytogenetic location: 7q21.2.
Variant type: single nucleotide variant.
Coding change: c.3886G>T on transcript NM_152703.5 (MANE Select); coding-DNA position 3886, G replaced by T.
Protein change: p.Val1296Phe; replaces valine 1296 with phenylalanine.
Molecular consequence: missense variant.
Genome position (GRCh38, 1-based): chr7:93,132,086, C>A on the plus strand (G>T on the coding strand, the complement: SAMD9L is on the minus strand). VCF-style: chr7-93132086-C-A. GRCh37 (hg19) VCF-style: chr7-92761399-C-A.
Other names: c.3886G>T, p.Val1296Phe (NM_001303496.3, NM_001303497.3, NM_001303498.3 and 5 more transcripts); short protein forms V1296F.
Identifiers: ClinVar variation 3643965 (VCV003643965.2).

ClinVar aggregate classification (germline): Uncertain significance (1 of 4 stars; one submission).

Submission:

Labcorp Genetics (formerly Invitae), Labcorp
Classification: Uncertain significance. Last evaluated: 2024-03-23. Review status: criteria provided, single submitter. Criteria: Invitae Variant Classification Sherloc (09022015). Collection method: clinical testing. Allele origin: germline.
Comment: This sequence change replaces valine, which is neutral and non-polar, with phenylalanine, which is neutral and non-polar, at codon 1296 of the SAMD9L protein (p.Val1296Phe). This variant is not present in population databases (gnomAD no frequency). This variant has not been reported in the literature in individuals affected with SAMD9L-related conditions. Advanced modeling of protein sequence and biophysical properties (such as structural, functional, and spatial information, amino acid conservation, physicochemical variation, residue mobility, and thermodynamic stability) has been performed at Invitae for this missense variant, however the output from this modeling did not meet the statistical confidence thresholds required to predict the impact of this variant on SAMD9L protein function. In summary, the available evidence is currently insufficient to determine the role of this variant in disease. Therefore, it has been classified as a Variant of Uncertain Significance.